The following is an entry in ClinVar:

ClinVar aggregate classification (germline): Uncertain significance. Review status: criteria provided, multiple submitters, no conflicts (2 of 4 stars). 7 submissions from 6 submitters: Uncertain significance (7). Last evaluated 2025-06-23.

Conditions:
Noonan syndrome and Noonan-related syndrome. Identifiers: Orphanet 98733, MedGen C5681679, MONDO:0020297.
Cardiovascular phenotype. Identifiers: MedGen CN230736.
Fibromatosis, gingival, 1 (GINGF1). Identifiers: Orphanet 2024, MedGen C4551558, MONDO:0007609, OMIM 135300.
Noonan syndrome 4 (NS4). Also called: NOONAN SYNDROME WITH PIGMENTED VILLONODULAR SYNOVITIS; SOS1-Related Noonan Syndrome. Identifiers: Orphanet 648, MedGen C1853120, MONDO:0012547, OMIM 610733.

Allele frequency attached by ClinVar (database versions not stated): gnomAD exomes below 0.00001 and 0.00001; ExAC 0.00001; gnomAD 0.00001.
gnomAD v4.1: 8 of 1,611,648 alleles (0.0005%); highest among the groups gnomAD compares: Admixed American, 0.0017%; no homozygotes.

Submissions (7):

Ambry Genetics
Classification: Uncertain significance for Cardiovascular phenotype. Last evaluated: 2025-06-23. Review status: criteria provided, single submitter. Criteria: Ambry Variant Classification Scheme 2023. Collection method: clinical testing. Allele origin: germline.
Comment: The p.S297L variant (also known as c.890C>T), located in coding exon 7 of the SOS1 gene, results from a C to T substitution at nucleotide position 890. The serine at codon 297 is replaced by leucine, an amino acid with dissimilar properties. This amino acid position is conserved. In addition, this alteration is predicted to be tolerated by in silico analysis. Based on the available evidence, the clinical significance of this variant remains unclear.

CeGaT Center for Human Genetics Tuebingen
Classification: Uncertain significance. Last evaluated: 2025-04-01. Review status: criteria provided, single submitter. Criteria: CeGaT Center For Human Genetics Tuebingen Variant Classification Criteria Version 2. Collection method: clinical testing. Allele origin: germline. Affected: yes. Observed: 1 variant allele.

GeneDx
Classification: Uncertain significance. Last evaluated: 2023-07-21. Review status: criteria provided, single submitter. Criteria: GeneDx Variant Classification Process June 2021. Collection method: clinical testing. Allele origin: germline. Affected: yes.
Comment: Missense variants in this gene are often considered pathogenic (HGMD); In silico analysis supports that this missense variant does not alter protein structure/function; Has not been previously published as pathogenic or benign to our knowledge

Genome Diagnostics Laboratory, The Hospital for Sick Children
Classification: Uncertain significance for Noonan syndrome and Noonan-related syndrome. Last evaluated: 2020-12-17. Review status: criteria provided, single submitter. Criteria: ACMG Guidelines, 2015. Collection method: clinical testing. Allele origin: germline.

Eurofins Ntd Llc (ga)
Classification: Uncertain significance. Last evaluated: 2016-02-24. Review status: criteria provided, single submitter. Criteria: EGL Classification Definitions 2015. Collection method: clinical testing. Allele origin: germline. Observed: 1 variant allele, 1 heterozygote.

Genome-Nilou Lab
Classification: Uncertain significance for Noonan syndrome 4. Review status: criteria provided, single submitter. Criteria: ACMG Guidelines, 2015. Collection method: clinical testing. Allele origin: germline.

Genome-Nilou Lab
Classification: Uncertain significance for Fibromatosis, gingival, 1. Review status: criteria provided, single submitter. Criteria: ACMG Guidelines, 2015. Collection method: clinical testing. Allele origin: germline.

NM_005633.4(SOS1):c.890C>T (p.Ser297Leu)

Gene: SOS1 (SOS Ras/Rac guanine nucleotide exchange factor 1; minus strand). Cytogenetic location: 2p22.1.
Variant type: single nucleotide variant.
Coding change: c.890C>T on transcript NM_005633.4 (MANE Select); coding-DNA position 890, C replaced by T.
Protein change: p.Ser297Leu; replaces serine 297 with leucine.
Molecular consequence: missense variant.
Genome position (GRCh38, 1-based): chr2:39,035,475, G>A on the plus strand (C>T on the coding strand, the complement: SOS1 is on the minus strand). VCF-style: chr2-39035475-G-A. GRCh37 (hg19) VCF-style: chr2-39262616-G-A.
Other names: c.869C>T, p.Ser290Leu (NM_001382394.1); c.890C>T, p.Ser297Leu (NM_001382395.1); short protein forms S297L, S290L.
Identifiers: ClinVar variation 286289 (VCV000286289.18), dbSNP rs779162761, ClinGen allele CA1624692.